The following is an entry in ClinVar:

NM_014236.4(GNPAT):c.1220_1233del (p.Glu407fs)

Gene: GNPAT (glyceronephosphate O-acyltransferase; plus strand). Cytogenetic location: 1q42.2.
Variant type: Deletion.
Coding change: c.1220_1233del on transcript NM_014236.4 (MANE Select); coding-DNA positions 1220 to 1233, 14 bases deleted (AAAAGACTTTATGG).
Protein change: p.Glu407fs; shifts the reading frame from glutamic acid 407.
Molecular consequence: frameshift variant.
Genome position (GRCh38, 1-based): chr1:231,267,844-231,267,857, AAAAGACTTTATGG deleted; deleting any 14 consecutive bases within chr1:231,267,841-231,267,857 gives the same sequence; the c. name uses the placement nearest the transcript's 3' end. VCF-style (leftmost placement, unchanged base first): chr1-231267840-GTGGAAAAGACTTTA-G. GRCh37 (hg19) VCF-style: chr1-231403586-GTGGAAAAGACTTTA-G.
Other names: c.1037_1050del, p.Glu346fs (NM_001316350.2); short protein forms E407fs, E346fs.
Identifiers: ClinVar variation 2853724 (VCV002853724.3), dbSNP rs2527029241, ClinGen allele CA2739273935.

ClinVar aggregate classification (germline): Pathogenic (1 of 4 stars; one submission).

Submission:

Labcorp Genetics (formerly Invitae), Labcorp
Classification: Pathogenic. Last evaluated: 2023-04-09. Review status: criteria provided, single submitter. Criteria: Invitae Variant Classification Sherloc (09022015). Collection method: clinical testing. Allele origin: germline.
Comment: This variant is not present in population databases (gnomAD no frequency). For these reasons, this variant has been classified as Pathogenic. This variant has not been reported in the literature in individuals affected with GNPAT-related conditions. This sequence change creates a premature translational stop signal (p.Glu407Alafs*16) in the GNPAT gene. It is expected to result in an absent or disrupted protein product. Loss-of-function variants in GNPAT are known to be pathogenic (PMID: 9536089, 21990100).

Literature cited by the submitters: PubMed 9536089; PubMed 21990100.